The following is an entry in ClinVar:

ClinVar aggregate classification (germline): Likely benign. Review status: criteria provided, multiple submitters, no conflicts (2 of 4 stars). 6 submissions from 6 submitters: Likely benign (5). 1 of the submissions does not count toward it. Last evaluated 2026-01-05.

Conditions:
Pallister-Hall syndrome (PHS). Also called: HYPOTHALAMIC HAMARTOBLASTOMA, HYPOPITUITARISM, IMPERFORATE ANUS, AND POSTAXIAL POLYDACTYLY; GLI3-Related Pallister-Hall Syndrome. Identifiers: Orphanet 672, MedGen C0265220, MONDO:0007804, OMIM 146510.
Greig cephalopolysyndactyly syndrome (GCPS). Also called: GLI3-Related Greig Cephalopolysyndactyly Syndrome; POLYSYNDACTYLY WITH PECULIAR SKULL SHAPE; Greig syndrome. Identifiers: Orphanet 380, MedGen C0265306, MONDO:0008287, OMIM 175700.
GLI3-related disorder. Also called: GLI3-related condition; GLI3-related disorders. Identifiers: MedGen CN239292.

Allele frequency attached by ClinVar (database versions not stated): ExAC 0.00020; ESP Exome Variant Server 0.00023; gnomAD 0.00027; TOPMed 0.00029.
gnomAD v4.1: 586 of 1,613,648 alleles (0.036%); highest among the groups gnomAD compares: Non-Finnish European, 0.047%; no homozygotes.

Submissions (6):

Labcorp Genetics (formerly Invitae), Labcorp
Classification: Likely benign for Pallister-Hall syndrome; Greig cephalopolysyndactyly syndrome. Last evaluated: 2026-01-05. Review status: criteria provided, single submitter. Criteria: Invitae Variant Classification Sherloc (09022015). Collection method: clinical testing. Allele origin: germline.

CeGaT Center for Human Genetics Tuebingen
Classification: Likely benign. Last evaluated: 2025-04-01. Review status: criteria provided, single submitter. Criteria: CeGaT Center For Human Genetics Tuebingen Variant Classification Criteria Version 2. Collection method: clinical testing. Allele origin: germline. Affected: yes. Observed: 2 variant alleles.
Comment: GLI3: BP4, BP7

Blueprint Genetics
Classification: Likely benign. Last evaluated: 2024-11-20. Review status: criteria provided, single submitter. Criteria: ACMG Guidelines, 2015. Collection method: clinical testing. Allele origin: germline.

GeneDx
Classification: Likely benign. Last evaluated: 2021-05-28. Review status: criteria provided, single submitter. Criteria: GeneDx Variant Classification Process June 2021. Collection method: clinical testing. Allele origin: germline. Affected: yes.

Genetic Services Laboratory, University of Chicago
Classification: Likely benign. Last evaluated: 2016-10-06. Review status: criteria provided, single submitter. Criteria: ACMG Guidelines, 2015. Collection method: clinical testing. Allele origin: germline. Affected: no.

PreventionGenetics, part of Exact Sciences
Classification: Likely benign for GLI3-related condition. Last evaluated: 2020-05-29. Review status: no assertion criteria provided. Collection method: clinical testing. Allele origin: germline. Not counted in ClinVar's aggregate classification.
Comment: This variant is classified as likely benign based on ACMG/AMP sequence variant interpretation guidelines (Richards et al. 2015 PMID: 25741868, with internal and published modifications).

NM_000168.6(GLI3):c.3987C>T (p.Gly1329=)

Gene: GLI3 (GLI family zinc finger 3; minus strand). Cytogenetic location: 7p14.1.
Variant type: single nucleotide variant.
Coding change: c.3987C>T on transcript NM_000168.6 (MANE Select); coding-DNA position 3987, C replaced by T.
Protein change: p.Gly1329=; no amino-acid change (glycine 1329 retained).
Molecular consequence: synonymous variant.
Genome position (GRCh38, 1-based): chr7:41,965,086, G>A on the plus strand (C>T on the coding strand, the complement: GLI3 is on the minus strand). VCF-style: chr7-41965086-G-A. GRCh37 (hg19) VCF-style: chr7-42004684-G-A.
Identifiers: ClinVar variation 435328 (VCV000435328.47), dbSNP rs145859702, ClinGen allele CA4230213.